The following is an entry in ClinVar:

ClinVar aggregate classification (germline): Uncertain significance (1 of 4 stars; one submission).

Submission:

GeneDx
Classification: Uncertain significance. Last evaluated: 2024-10-18. Review status: criteria provided, single submitter. Criteria: GeneDx Variant Classification Process June 2021. Collection method: clinical testing. Allele origin: germline. Affected: yes.
Comment: Reported as a de novo variant in a patient from the Deciphering Developmental Disorders study (PMID: 31785789); Not observed at significant frequency in large population cohorts (gnomAD); In silico analysis supports that this missense variant has a deleterious effect on protein structure/function; This variant is associated with the following publications: (PMID: 33057194, 35982159, 31785789)

NM_001961.4(EEF2):c.771G>A (p.Met257Ile)

Gene: EEF2 (eukaryotic translation elongation factor 2; minus strand). Cytogenetic location: 19p13.3.
Variant type: single nucleotide variant.
Coding change: c.771G>A on transcript NM_001961.4 (MANE Select); coding-DNA position 771, G replaced by A.
Protein change: p.Met257Ile; replaces methionine 257 with isoleucine.
Molecular consequence: missense variant.
Genome position (GRCh38, 1-based): chr19:3,982,266, C>T on the plus strand (G>A on the coding strand, the complement: EEF2 is on the minus strand). VCF-style: chr19-3982266-C-T. GRCh37 (hg19) VCF-style: chr19-3982264-C-T.
Other names: short protein forms M257I.
Identifiers: ClinVar variation 3781009 (VCV003781009.1).